The following is an entry in ClinVar:

ClinVar aggregate classification (germline): Uncertain significance (1 of 4 stars; one submission).

Conditions:
RASopathy. Also called: rasopathies; Noonan spectrum disorder. Identifiers: Orphanet 536391, MedGen C5555857, MONDO:0021060.

gnomAD v4.1: 1 of 1,613,870 alleles (0.000062%); highest among the groups gnomAD compares: African/African-American, 0.0013%; no homozygotes.

Submission:

Labcorp Genetics (formerly Invitae), Labcorp
Classification: Uncertain significance for RASopathy. Last evaluated: 2026-01-09. Review status: criteria provided, single submitter. Criteria: Invitae Variant Classification Sherloc (09022015). Collection method: clinical testing. Allele origin: germline.
Comment: This sequence change replaces alanine, which is neutral and non-polar, with valine, which is neutral and non-polar, at codon 208 of the RAF1 protein (p.Ala208Val). This variant is present in population databases (rs376554439, gnomAD 0.0009%). This variant has not been reported in the literature in individuals affected with RAF1-related conditions. ClinVar contains an entry for this variant (Variation ID: 3692903). Invitae Evidence Modeling of protein sequence and biophysical properties (such as structural, functional, and spatial information, amino acid conservation, physicochemical variation, residue mobility, and thermodynamic stability) indicates that this missense variant is not expected to disrupt RAF1 protein function with a negative predictive value of 95%. In summary, the available evidence is currently insufficient to determine the role of this variant in disease. Therefore, it has been classified as a Variant of Uncertain Significance.

NM_002880.4(RAF1):c.623C>T (p.Ala208Val)

Gene: RAF1 (Raf-1 proto-oncogene, serine/threonine kinase; minus strand). Cytogenetic location: 3p25.2.
Variant type: single nucleotide variant.
Coding change: c.623C>T on transcript NM_002880.4 (MANE Select); coding-DNA position 623, C replaced by T.
Protein change: p.Ala208Val; replaces alanine 208 with valine.
Molecular consequence: missense variant. On other transcripts: non-coding transcript variant (3), intron variant (2).
Genome position (GRCh38, 1-based): chr3:12,606,258, G>A on the plus strand (C>T on the coding strand, the complement: RAF1 is on the minus strand). VCF-style: chr3-12606258-G-A. GRCh37 (hg19) VCF-style: chr3-12647757-G-A.
Other names: c.623C>T, p.Ala208Val (NM_001354689.3, NM_001354690.3); c.380C>T, p.Ala127Val (NM_001354691.3, NM_001354692.3, NM_001354694.3); c.339-1969C>T (NM_001354695.3); c.582-1969C>T (NM_001354693.3); short protein forms A127V, A208V.
Identifiers: ClinVar variation 3692903 (VCV003692903.2).